The following is an entry in ClinVar:

NM_000447.3(PSEN2):c.8C>A (p.Thr3Lys)

Gene: PSEN2 (presenilin 2; plus strand). Cytogenetic location: 1q42.13.
Variant type: single nucleotide variant.
Coding change: c.8C>A on transcript NM_000447.3 (MANE Select); coding-DNA position 8, C replaced by A.
Protein change: p.Thr3Lys; replaces threonine 3 with lysine.
Molecular consequence: missense variant.
Genome position (GRCh38, 1-based): chr1:226,881,915, C>A. VCF-style: chr1-226881915-C-A. GRCh37 (hg19) VCF-style: chr1-227069616-C-A.
Other names: c.8C>A, p.Thr3Lys (NM_001437537.1, NM_012486.3); short protein forms T3K.
Identifiers: ClinVar variation 4701011 (VCV004701011.1).

ClinVar aggregate classification (germline): Uncertain significance (1 of 4 stars; one submission).

Conditions:
Alzheimer disease 4 (AD4). Identifiers: Orphanet 1020, MedGen C1847200, MONDO:0011743, OMIM 606889.

gnomAD v4.1: 6 of 1,614,136 alleles (0.00037%); highest among the groups gnomAD compares: Non-Finnish European, 0.00051%; no homozygotes.

Submission:

Labcorp Genetics (formerly Invitae), Labcorp
Classification: Uncertain significance for Alzheimer disease 4. Last evaluated: 2025-09-23. Review status: criteria provided, single submitter. Criteria: Invitae Variant Classification Sherloc (09022015). Collection method: clinical testing. Allele origin: germline.
Comment: This sequence change replaces threonine, which is neutral and polar, with lysine, which is basic and polar, at codon 3 of the PSEN2 protein (p.Thr3Lys). This variant is present in population databases (no rsID available, gnomAD 0.002%). This variant has not been reported in the literature in individuals affected with PSEN2-related conditions. An algorithm developed to predict the effect of missense changes on protein structure and function (PolyPhen-2) suggests that this variant is likely to be tolerated. In summary, the available evidence is currently insufficient to determine the role of this variant in disease. Therefore, it has been classified as a Variant of Uncertain Significance.